The following is an entry in ClinVar:

NM_005548.3(KARS1):c.766A>G (p.Ser256Gly)

Gene: KARS1 (lysyl-tRNA synthetase 1; minus strand). Cytogenetic location: 16q23.1.
Variant type: single nucleotide variant.
Coding change: c.766A>G on transcript NM_005548.3 (MANE Select); coding-DNA position 766, A replaced by G.
Protein change: p.Ser256Gly; replaces serine 256 with glycine.
Molecular consequence: missense variant.
Genome position (GRCh38, 1-based): chr16:75,635,709, T>C on the plus strand (A>G on the coding strand, the complement: KARS1 is on the minus strand). VCF-style: chr16-75635709-T-C. GRCh37 (hg19) VCF-style: chr16-75669607-T-C.
Other names: c.850A>G, p.Ser284Gly (NM_001130089.2); c.298A>G, p.Ser100Gly (NM_001378148.1); short protein forms S100G, S284G, S256G.
Identifiers: ClinVar variation 1903081 (VCV001903081.3), dbSNP rs765422256, ClinGen allele CA8177518.

ClinVar aggregate classification (germline): Uncertain significance. Review status: criteria provided, multiple submitters, no conflicts (2 of 4 stars). 2 submissions from 2 submitters: Uncertain significance (2). Last evaluated 2026-05-05.

Allele frequency attached by ClinVar (database versions not stated): ExAC 0.00001; gnomAD exomes 0.00003.

Submissions (2):

Women's Health and Genetics/Laboratory Corporation of America, LabCorp
Classification: Uncertain significance. Last evaluated: 2026-05-05. Review status: criteria provided, single submitter. Criteria: LabCorp Variant Classification Summary - May 2015. Collection method: clinical testing. Allele origin: germline.
Comment: Variant summary: KARS1 c.850A>G (p.Ser284Gly) results in a non-conservative amino acid change in the encoded protein sequence. Algorithms developed to predict the effect of missense changes on protein structure and function are either unavailable or do not agree on the potential impact of this missense change. The frequency of this variant in the general population could not be determined as the technology used for large population databases (ExAC, gnomAD, ESP, 1000G) cannot detect variants of this type. The available data on variant occurrences in the general population are insufficient to allow any conclusion about variant significance. To our knowledge, no occurrence of c.850A>G in individuals affected with KARS1-related conditions and no experimental evidence demonstrating its impact on protein function have been reported. ClinVar contains an entry for this variant (Variation ID: 1903081). Based on the evidence outlined above, the variant was classified as uncertain significance.

Labcorp Genetics (formerly Invitae), Labcorp
Classification: Uncertain significance. Last evaluated: 2022-06-29. Review status: criteria provided, single submitter. Criteria: Invitae Variant Classification Sherloc (09022015). Collection method: clinical testing. Allele origin: germline.
Comment: This sequence change replaces serine, which is neutral and polar, with glycine, which is neutral and non-polar, at codon 284 of the KARS protein (p.Ser284Gly). This variant is present in population databases (rs765422256, gnomAD 0.002%). This variant has not been reported in the literature in individuals affected with KARS-related conditions. Algorithms developed to predict the effect of missense changes on protein structure and function (SIFT, PolyPhen-2, Align-GVGD) all suggest that this variant is likely to be tolerated. In summary, the available evidence is currently insufficient to determine the role of this variant in disease. Therefore, it has been classified as a Variant of Uncertain Significance.